The following is an entry in ClinVar:

NM_014989.7(RIMS1):c.721A>G (p.Arg241Gly)

Gene: RIMS1 (regulating synaptic membrane exocytosis 1; plus strand). Cytogenetic location: 6q13.
Variant type: single nucleotide variant.
Coding change: c.721A>G on transcript NM_014989.7 (MANE Select); coding-DNA position 721, A replaced by G.
Protein change: p.Arg241Gly; replaces arginine 241 with glycine.
Molecular consequence: missense variant.
Genome position (GRCh38, 1-based): chr6:72,179,824, A>G. VCF-style: chr6-72179824-A-G. GRCh37 (hg19) VCF-style: chr6-72889527-A-G.
Other names: short protein forms R241G.
Identifiers: ClinVar variation 1026286 (VCV001026286.8), dbSNP rs1300461389, ClinGen allele CA364818747.

ClinVar aggregate classification (germline): Uncertain significance (1 of 4 stars; one submission).

Allele frequency attached by ClinVar (database versions not stated): gnomAD 0.00001; TOPMed 0.00003.
gnomAD v4.1: 2 of 1,613,092 alleles (0.00012%); highest among the groups gnomAD compares: Admixed American, 0.0033%; no homozygotes.

Submission:

Labcorp Genetics (formerly Invitae), Labcorp
Classification: Uncertain significance. Last evaluated: 2024-04-25. Review status: criteria provided, single submitter. Criteria: Invitae Variant Classification Sherloc (09022015). Collection method: clinical testing. Allele origin: germline.
Comment: This sequence change replaces arginine, which is basic and polar, with glycine, which is neutral and non-polar, at codon 241 of the RIMS1 protein (p.Arg241Gly). This variant is not present in population databases (gnomAD no frequency). This variant has not been reported in the literature in individuals affected with RIMS1-related conditions. ClinVar contains an entry for this variant (Variation ID: 1026286). An algorithm developed to predict the effect of missense changes on protein structure and function (PolyPhen-2) suggests that this variant is likely to be tolerated. In summary, the available evidence is currently insufficient to determine the role of this variant in disease. Therefore, it has been classified as a Variant of Uncertain Significance.